The following is an entry in ClinVar:

ClinVar aggregate classification (germline): Pathogenic (1 of 4 stars; one submission).

Conditions:
Charcot-Marie-Tooth disease type 4. Also called: Charcot-Marie-Tooth, Type 4; Charcot-Marie-Tooth disease, type IV. Identifiers: Orphanet 64749, MedGen C4082197, MONDO:0018995.

Submission:

Labcorp Genetics (formerly Invitae), Labcorp
Classification: Pathogenic for Charcot-Marie-Tooth disease type 4. Last evaluated: 2017-08-18. Review status: criteria provided, single submitter. Criteria: Invitae Variant Classification Sherloc (09022015). Collection method: clinical testing. Allele origin: germline.
Comment: For these reasons, this variant has been classified as Pathogenic. Loss-of-function variants in FGD4 are known to be pathogenic (PMID: 17564972). This variant has not been reported in the literature in individuals with FGD4-related disease. This variant is not present in population databases (ExAC no frequency). This sequence change creates a premature translational stop signal (p.Thr622Argfs*3) in the FGD4 gene. It is expected to result in an absent or disrupted protein product.

Literature cited by the submitters: PubMed 17564972.

NM_001370298.3(FGD4):c.2276_2277del (p.Thr759fs)

Gene: FGD4 (FYVE, RhoGEF and PH domain containing 4; plus strand). Cytogenetic location: 12p11.21.
Variant type: Microsatellite.
Coding change: c.2276_2277del on transcript NM_001370298.3 (MANE Select); coding-DNA positions 2276 to 2277, 2 bases deleted (CA; older notation c.2276_2277delCA).
Protein change: p.Thr759fs; shifts the reading frame from threonine 759.
Molecular consequence: frameshift variant.
Genome position (GRCh38, 1-based): chr12:32,633,652-32,633,653, CA deleted; deleting any 2 consecutive bases within chr12:32,633,650-32,633,653 gives the same sequence; the c. name uses the placement nearest the transcript's 3' end. VCF-style (leftmost placement, unchanged base first): chr12-32633649-TCA-T. GRCh37 (hg19) VCF-style: chr12-32786583-TCA-T.
Other names: c.1865_1866delCA (NM_139241.3); c.2118_2119CA[1], p.Thr707Argfs (NM_001304481.2); c.1121_1122del, p.Thr374fs (NM_001304483.2); c.833_834del, p.Thr278fs (NM_001304484.2); c.1586_1587del, p.Thr529fs (NM_001330373.2, NM_001330374.2, NM_001384130.1); c.1313_1314del, p.Thr438fs (NM_001370297.1); c.2276_2277del, p.Thr759fs (NM_001384126.1); c.1865_1866del, p.Thr622fs (NM_001384127.1, NM_001384128.1, NM_001385118.1 and 1 more transcripts); short protein forms T438fs, T278fs, T707fs, T374fs, T529fs, T622fs, T759fs.
Identifiers: ClinVar variation 543407 (VCV000543407.6), dbSNP rs1555223595, ClinGen allele CA658797871.